The following is an entry in ClinVar:

NM_182916.3(TRNT1):c.-50C>T

Genes: TRNT1 (tRNA nucleotidyl transferase 1; plus strand), LOC129936047 (ATAC-STARR-seq lymphoblastoid silent region 14009; plus strand). Cytogenetic location: 3p26.2.
Variant type: single nucleotide variant.
Coding change: c.-50C>T on transcript NM_182916.3 (MANE Select); 50 bases upstream of the start codon, C replaced by T.
Molecular consequence: 5 prime UTR variant. On other transcripts: non-coding transcript variant (11).
Genome position (GRCh38, 1-based): chr3:3,126,968, C>T. VCF-style: chr3-3126968-C-T. GRCh37 (hg19) VCF-style: chr3-3168652-C-T.
Other names: c.-50C>T (NM_001302946.2, NM_001367321.1); c.-349C>T (NM_001367322.1); c.-1078C>T (NM_001367323.1).
Identifiers: ClinVar variation 386930 (VCV000386930.1), dbSNP rs772459462, ClinGen allele CA16604501.

ClinVar aggregate classification (germline): Likely benign (1 of 4 stars; one submission).

Allele frequency attached by ClinVar (database versions not stated): gnomAD 0.00030 and 0.00031; TOPMed 0.00035.

Submission:

GeneDx
Classification: Likely benign. Last evaluated: 2017-10-16. Review status: criteria provided, single submitter. Criteria: GeneDx Variant Classification (06012015). Collection method: clinical testing. Allele origin: germline. Affected: yes.
Comment: This variant is considered likely benign or benign based on one or more of the following criteria: it is a conservative change, it occurs at a poorly conserved position in the protein, it is predicted to be benign by multiple in silico algorithms, and/or has population frequency not consistent with disease.